The following is an entry in ClinVar:

NM_004656.4(BAP1):c.68-2A>G

Gene: BAP1 (BRCA1 associated deubiquitinase 1; minus strand). Cytogenetic location: 3p21.1.
Variant type: single nucleotide variant.
Coding change: c.68-2A>G on transcript NM_004656.4 (MANE Select); the canonical splice acceptor site of the intron before coding-DNA position 68, A replaced by G.
Molecular consequence: splice acceptor variant.
Genome position (GRCh38, 1-based): chr3:52,409,610, T>C on the plus strand (A>G on the coding strand, the complement: BAP1 is on the minus strand). VCF-style: chr3-52409610-T-C. GRCh37 (hg19) VCF-style: chr3-52443626-T-C.
Other names: c.68-2A>G (NM_001410772.1).
Identifiers: ClinVar variation 2014640 (VCV002014640.7), dbSNP rs2153228558, ClinGen allele CA353114768.

ClinVar aggregate classification (germline): Likely pathogenic. Review status: criteria provided, multiple submitters, no conflicts (2 of 4 stars). 3 submissions from 3 submitters: Likely pathogenic (3). Last evaluated 2023-08-04.

Conditions:
BAP1-related tumor predisposition syndrome (TPDS1). Also called: COMMON Syndrome; Tumor susceptibility linked to germline BAP1 mutations; TUMOR PREDISPOSITION SYNDROME 1; BAP1 tumor predisposition syndrome. Identifiers: Orphanet 289539, MedGen C3280492, MONDO:0013692, OMIM 614327.

Submissions (3):

Baylor Genetics
Classification: Likely pathogenic for BAP1-related tumor predisposition syndrome. Last evaluated: 2023-08-04. Review status: criteria provided, single submitter. Criteria: ACMG Guidelines, 2015. Collection method: clinical testing. Allele origin: unknown.

Myriad Genetics, Inc.
Classification: Likely pathogenic for BAP1-related tumor predisposition syndrome. Last evaluated: 2023-05-17. Review status: criteria provided, single submitter. Criteria: Myriad Autosomal Dominant, Autosomal Recessive and X-Linked Classification Criteria (2023). Collection method: clinical testing. Allele origin: unknown.
Comment: This variant is considered likely pathogenic. This variant occurs within a consensus splice junction and is predicted to result in abnormal mRNA splicing of either an out-of-frame exon or an in-frame exon necessary for protein stability and/or normal function.

Labcorp Genetics (formerly Invitae), Labcorp
Classification: Likely pathogenic for BAP1-related tumor predisposition syndrome. Last evaluated: 2022-07-06. Review status: criteria provided, single submitter. Criteria: Invitae Variant Classification Sherloc (09022015). Collection method: clinical testing. Allele origin: germline.
Comment: In summary, the currently available evidence indicates that the variant is pathogenic, but additional data are needed to prove that conclusively. Therefore, this variant has been classified as Likely Pathogenic. Algorithms developed to predict the effect of sequence changes on RNA splicing suggest that this variant may disrupt the consensus splice site. Disruption of this splice site has been observed in individual(s) with BAP1 tumor predisposition syndrome (PMID: 30517737). This variant is not present in population databases (gnomAD no frequency). This sequence change affects an acceptor splice site in intron 2 of the BAP1 gene. It is expected to disrupt RNA splicing. Variants that disrupt the donor or acceptor splice site typically lead to a loss of protein function (PMID: 16199547), and loss-of-function variants in BAP1 are known to be pathogenic (PMID: 21874000, 23684012).

Literature cited by the submitters: PubMed 30517737 (cited by Labcorp Genetics (formerly Invitae), Labcorp); PubMed 16199547 (cited by Labcorp Genetics (formerly Invitae), Labcorp); PubMed 21874000 (cited by Labcorp Genetics (formerly Invitae), Labcorp); PubMed 23684012 (cited by Labcorp Genetics (formerly Invitae), Labcorp).